The following is an entry in ClinVar:

NM_000466.3(PEX1):c.651dup (p.Leu218fs)

Gene: PEX1 (peroxisomal biogenesis factor 1; minus strand). Cytogenetic location: 7q21.2.
Variant type: Duplication.
Coding change: c.651dup on transcript NM_000466.3 (MANE Select); coding-DNA position 651, one base duplicated (A; older notation c.651dupA).
Protein change: p.Leu218fs; shifts the reading frame from leucine 218.
Molecular consequence: frameshift variant.
Genome position (GRCh38, 1-based): chr7:92,517,864, T duplicated on the plus strand (A on the coding strand, the reverse complement: PEX1 is on the minus strand); the first of 2 consecutive T bases (chr7:92,517,864-92,517,865); duplicating either gives the same sequence. VCF-style (leftmost placement, unchanged base first): chr7-92517863-G-GT. GRCh37 (hg19) VCF-style: chr7-92147177-G-GT.
Other names: c.651dup, p.Leu218fs (NM_001282677.2); c.27dup, p.Leu10fs (NM_001282678.2); short protein forms L10fs, L218fs.
Identifiers: ClinVar variation 2698444 (VCV002698444.3), dbSNP rs2484703792, ClinGen allele CA2697557405.
Genomic context (GRCh38, chr7:92,517,863, plus strand): 5'-CAACTGGAATCTCTGACTCGTTTTCATTAGATTCAGTGATTCCCACAGTATTTGACTGAA[G>GT]TTGCTTGGTTTGAAGTTCTTTCATCATTCCTTTCTGGTCTCTTCCATAACTATGAAGTTT-3'

ClinVar aggregate classification (germline): Pathogenic (1 of 4 stars; one submission).

Conditions:
Zellweger spectrum disorders (ZS). Also called: Zellweger syndrome; Zellweger Spectrum Disorder (ZSD); Zellweger Spectrum Disorder; Zellweger Spectrum. Identifiers: Orphanet 912, MedGen C0043459, MONDO:0019609.

Submission:

Labcorp Genetics (formerly Invitae), Labcorp
Classification: Pathogenic for Zellweger spectrum disorders. Last evaluated: 2023-11-24. Review status: criteria provided, single submitter. Criteria: Invitae Variant Classification Sherloc (09022015). Collection method: clinical testing. Allele origin: germline.
Comment: This sequence change creates a premature translational stop signal (p.Leu218Thrfs*10) in the PEX1 gene. It is expected to result in an absent or disrupted protein product. Loss-of-function variants in PEX1 are known to be pathogenic (PMID: 21031596, 26387595, 31831025). This variant is not present in population databases (gnomAD no frequency). This variant has not been reported in the literature in individuals affected with PEX1-related conditions. For these reasons, this variant has been classified as Pathogenic.

Literature cited by the submitters: PubMed 21031596; PubMed 26387595; PubMed 31831025.